The following is an entry in ClinVar:

NM_002397.5(MEF2C):c.266G>A (p.Arg89Lys)

Gene: MEF2C (myocyte enhancer factor 2C; minus strand). Cytogenetic location: 5q14.3.
Variant type: single nucleotide variant.
Coding change: c.266G>A on transcript NM_002397.5 (MANE Select); coding-DNA position 266, G replaced by A.
Protein change: p.Arg89Lys; replaces arginine 89 with lysine.
Molecular consequence: missense variant. On other transcripts: 5 prime UTR variant (2), intron variant (10).
Genome position (GRCh38, 1-based): chr5:88,761,321, C>T on the plus strand (G>A on the coding strand, the complement: MEF2C is on the minus strand). VCF-style: chr5-88761321-C-T. GRCh37 (hg19) VCF-style: chr5-88057138-C-T.
Other names: c.266G>A, p.Arg89Lys (NM_001193347.1, NM_001193350.2, NM_001308002.3 and 20 more transcripts); c.-113G>A (NM_001364353.2, NM_001364356.2); c.259-9278G>A (NM_001364344.2, NM_001364354.2, NM_001364332.2 and 3 more transcripts); c.259-196G>A (NM_001131005.2, NM_001364352.2, NM_001364343.2); c.-24-9278G>A (NM_001364357.2); short protein forms R89K.
Identifiers: ClinVar variation 4709951 (VCV004709951.1).
Genomic context (GRCh38, chr5:88,761,321, plus strand): 5'-TGACCTACGGAATCGTCCGCATCGGGGTCTGGGCTGTCACAGCCATTAAGGCCCTTCTTT[C>T]TCAACGTCTGAAATACATAATTTGGAAAGTTCAAACCTAGACAAAGGCTGTAAGAGACAT-3'
Protein context (NP_002388.2, residues 79-99): RTNSDIVETL[Arg89Lys]KKGLNGCDSP

ClinVar aggregate classification (germline): Uncertain significance (1 of 4 stars; one submission).

Conditions:
Neurodevelopmental disorder with hypotonia, stereotypic hand movements, and impaired language. Also called: Intellectual disability, autosomal dominant 20. Identifiers: Orphanet 228384, Orphanet 664410, MedGen C3150700, MONDO:0013266, OMIM 613443.

Submission:

Labcorp Genetics (formerly Invitae), Labcorp
Classification: Uncertain significance for Neurodevelopmental disorder with hypotonia, stereotypic hand movements, and impaired language. Last evaluated: 2025-09-03. Review status: criteria provided, single submitter. Criteria: Invitae Variant Classification Sherloc (09022015). Collection method: clinical testing. Allele origin: germline.
Comment: This sequence change replaces arginine, which is basic and polar, with lysine, which is basic and polar, at codon 89 of the MEF2C protein (p.Arg89Lys). This variant is present in population databases (rs757991225, gnomAD 0.006%). This variant has not been reported in the literature in individuals affected with MEF2C-related conditions. Invitae Evidence Modeling of protein sequence and biophysical properties (such as structural, functional, and spatial information, amino acid conservation, physicochemical variation, residue mobility, and thermodynamic stability) indicates that this missense variant is not expected to disrupt MEF2C protein function with a negative predictive value of 95%. In summary, the available evidence is currently insufficient to determine the role of this variant in disease. Therefore, it has been classified as a Variant of Uncertain Significance.